The following is an entry in ClinVar:

ClinVar aggregate classification (germline): Uncertain significance. Review status: criteria provided, multiple submitters, no conflicts (2 of 4 stars). 2 submissions from 2 submitters: Uncertain significance (2). Last evaluated 2025-08-10.

Conditions:
Atrioventricular septal defect 5 (AVSD5). Identifiers: MedGen C3280939, MONDO:0013769, OMIM 614474.

gnomAD v4.1: 1 of 1,533,762 alleles (0.000065%); highest among the groups gnomAD compares: Non-Finnish European, 0.000087%; no homozygotes.

Submissions (2):

Labcorp Genetics (formerly Invitae), Labcorp
Classification: Uncertain significance for Atrioventricular septal defect 5. Last evaluated: 2025-08-10. Review status: criteria provided, single submitter. Criteria: Invitae Variant Classification Sherloc (09022015). Collection method: clinical testing. Allele origin: germline.
Comment: This sequence change replaces glycine, which is neutral and non-polar, with arginine, which is basic and polar, at codon 367 of the GATA6 protein (p.Gly367Arg). This variant is not present in population databases (gnomAD no frequency). This variant has not been reported in the literature in individuals affected with GATA6-related conditions. ClinVar contains an entry for this variant (Variation ID: 2766251). Invitae Evidence Modeling of protein sequence and biophysical properties (such as structural, functional, and spatial information, amino acid conservation, physicochemical variation, residue mobility, and thermodynamic stability) has been performed for this missense variant. However, the output from this modeling did not meet the statistical confidence thresholds required to predict the impact of this variant on GATA6 protein function. In summary, the available evidence is currently insufficient to determine the role of this variant in disease. Therefore, it has been classified as a Variant of Uncertain Significance.

GeneDx
Classification: Uncertain significance. Last evaluated: 2023-11-01. Review status: criteria provided, single submitter. Criteria: GeneDx Variant Classification Process June 2021. Collection method: clinical testing. Allele origin: germline. Affected: yes.
Comment: Has not been previously published as pathogenic or benign to our knowledge; Not observed at significant frequency in large population cohorts (gnomAD); In silico analysis supports that this missense variant has a deleterious effect on protein structure/function

NM_005257.6(GATA6):c.1099G>A (p.Gly367Arg)

Gene: GATA6 (GATA binding protein 6; plus strand). Cytogenetic location: 18q11.2.
Variant type: single nucleotide variant.
Coding change: c.1099G>A on transcript NM_005257.6 (MANE Select); coding-DNA position 1099, G replaced by A.
Protein change: p.Gly367Arg; replaces glycine 367 with arginine.
Molecular consequence: missense variant.
Genome position (GRCh38, 1-based): chr18:22,172,243, G>A. VCF-style: chr18-22172243-G-A. GRCh37 (hg19) VCF-style: chr18-19752204-G-A.
Other names: c.1099G>A (NM_005257.4); short protein forms G367R.
Identifiers: ClinVar variation 2766251 (VCV002766251.4), dbSNP rs2510627033, ClinGen allele CA401801807.